The following is an entry in ClinVar:

NM_003002.4(SDHD):c.40C>T (p.Leu14=)

Genes: SDHD (succinate dehydrogenase complex subunit D; plus strand), LOC126861339 (BRD4-independent group 4 enhancer GRCh37_chr11:111957035-111958234; plus strand). Cytogenetic location: 11q23.1.
Variant type: single nucleotide variant.
Coding change: c.40C>T on transcript NM_003002.4 (MANE Select); coding-DNA position 40, C replaced by T.
Protein change: p.Leu14=; no amino-acid change (leucine 14 retained).
Molecular consequence: synonymous variant. On other transcripts: non-coding transcript variant (1).
Genome position (GRCh38, 1-based): chr11:112,086,947, C>T. VCF-style: chr11-112086947-C-T. GRCh37 (hg19) VCF-style: chr11-111957671-C-T.
Other names: c.40C>T, p.Leu14= (NM_001276503.2, NM_001276504.2, NM_001276506.2).
Identifiers: ClinVar variation 412503 (VCV000412503.18), dbSNP rs1060503772, ClinGen allele CA16613208.
Genomic context (GRCh38, chr11:112,086,947, plus strand): 5'-CCTTGAGCCCTCAGGAACGAGATGGCGGTTCTCTGGAGGCTGAGTGCCGTTTGCGGTGCC[C>T]TAGGAGGCCGAGGTGAGGGGTCTTCCCACCCTGAGGTGCTTAGCGTAGCCTCCAGCCAGG-3'
Protein context (NP_002993.1, residues 4-24): LWRLSAVCGA[Leu14=]GGRALLLRTP

ClinVar aggregate classification (germline): Benign/Likely benign. Review status: criteria provided, multiple submitters, no conflicts (2 of 4 stars). 3 submissions from 3 submitters: Benign (1); Likely benign (2). Last evaluated 2025-11-21.

Conditions:
Pheochromocytoma. Also called: MAX-Related Hereditary Paraganglioma-Pheochromocytoma Syndrome. Identifiers: Orphanet 29072, MedGen C0031511, MONDO:0008233, OMIM 171300, HP:0002666.
Cowden syndrome 3 (CWS3). Identifiers: Orphanet 201, MedGen CN166604, MONDO:0014045.
Paragangliomas with sensorineural hearing loss. Identifiers: MedGen C1868633.
Carney-Stratakis syndrome. Also called: PARAGANGLIOMA AND GASTROINTESTINAL STROMAL TUMOR. Identifiers: Orphanet 97286, MedGen C1847319, MONDO:0011740, OMIM 606864.
Pheochromocytoma/paraganglioma syndrome 1. Also called: PARAGANGLIOMATA; Paragangliomas 1; Glomus tumors familial 1; Paraganglioma - glomus jugulare; SDHD-Related Hereditary Paraganglioma-Pheochromocytoma Syndrome; PARAGANGLIOMAS, FAMILIAL NONCHROMAFFIN, 1. Identifiers: Orphanet 29072, MedGen C3494181, MONDO:0008192, OMIM 168000.
Hereditary cancer-predisposing syndrome. Also called: Hereditary neoplastic syndrome; Neoplastic Syndromes, Hereditary; Tumor predisposition; Hereditary Cancer Syndrome. Identifiers: Orphanet 140162, MedGen C0027672, MeSH D009386, MONDO:0015356.

Allele frequency attached by ClinVar (database versions not stated): gnomAD exomes below 0.00001.
gnomAD v4.1: 4 of 1,614,070 alleles (0.00025%); highest among the groups gnomAD compares: Non-Finnish European, 0.00034%; no homozygotes.

Submissions (3):

Labcorp Genetics (formerly Invitae), Labcorp
Classification: Likely benign for Carney-Stratakis syndrome; Paragangliomas with sensorineural hearing loss; Pheochromocytoma; Cowden syndrome 3. Last evaluated: 2025-11-21. Review status: criteria provided, single submitter. Criteria: Invitae Variant Classification Sherloc (09022015). Collection method: clinical testing. Allele origin: germline.

Myriad Genetics, Inc.
Classification: Benign for Pheochromocytoma/paraganglioma syndrome 1. Last evaluated: 2025-03-17. Review status: criteria provided, single submitter. Criteria: Myriad Autosomal Dominant, Autosomal Recessive and X-Linked Classification Criteria (2023). Collection method: clinical testing. Allele origin: unknown.
Comment: This variant is considered benign. This variant is a silent/synonymous amino acid change and it is not expected to impact splicing.

Ambry Genetics
Classification: Likely benign for Hereditary cancer-predisposing syndrome. Last evaluated: 2018-06-20. Review status: criteria provided, single submitter. Criteria: Ambry Variant Classification Scheme 2023. Collection method: clinical testing. Allele origin: germline.